The following is an entry in ClinVar:

ClinVar aggregate classification (germline): Benign/Likely benign. Review status: criteria provided, multiple submitters, no conflicts (2 of 4 stars). 4 submissions from 4 submitters: Benign (2); Likely benign (2). Last evaluated 2026-09-01.

Conditions:
Developmental and epileptic encephalopathy, 67. Also called: EPILEPTIC ENCEPHALOPATHY, EARLY INFANTILE, 67. Identifiers: MedGen C4748341, MONDO:0029138, OMIM 618141.

Allele frequency attached by ClinVar (database versions not stated): 1000 Genomes Project 0.00180; 1000 Genomes Project 30x 0.00187; ExAC 0.00198; gnomAD exomes 0.00206 and 0.00301; TOPMed 0.00206; gnomAD 0.00249 and 0.00253; ESP Exome Variant Server 0.00306.
gnomAD v4.1: 4,545 of 1,540,248 alleles (0.3%); highest among the groups gnomAD compares: Non-Finnish European, 0.35%; 12 homozygotes.

Submissions (4):

CeGaT Center for Human Genetics Tuebingen
Classification: Benign. Last evaluated: 2026-09-01. Review status: criteria provided, single submitter. Criteria: CeGaT Center For Human Genetics Tuebingen Variant Classification Criteria Version 2. Collection method: clinical testing. Allele origin: germline. Affected: yes. Observed: 24 variant alleles.
Comment: CUX2: BP4, BP7, BS1, BS2

Blueprint Genetics
Classification: Likely benign. Last evaluated: 2024-10-17. Review status: criteria provided, single submitter. Criteria: ACMG Guidelines, 2015. Collection method: clinical testing. Allele origin: germline.

Fulgent Genetics
Classification: Likely benign for Developmental and epileptic encephalopathy, 67. Last evaluated: 2022-01-14. Review status: criteria provided, single submitter. Criteria: ACMG Guidelines, 2015. Collection method: clinical testing. Allele origin: unknown.

Labcorp Genetics (formerly Invitae), Labcorp
Classification: Benign. Last evaluated: 2019-12-31. Review status: criteria provided, single submitter. Criteria: Invitae Variant Classification Sherloc (09022015). Collection method: clinical testing. Allele origin: germline.

NM_015267.4(CUX2):c.81C>T (p.Val27=)

Gene: CUX2 (cut like homeobox 2; plus strand). Cytogenetic location: 12q24.11.
Variant type: single nucleotide variant.
Coding change: c.81C>T on transcript NM_015267.4 (MANE Select); coding-DNA position 81, C replaced by T.
Protein change: p.Val27=; no amino-acid change (valine 27 retained).
Molecular consequence: synonymous variant. On other transcripts: 5 prime UTR variant (1).
Genome position (GRCh38, 1-based): chr12:111,214,217, C>T. VCF-style: chr12-111214217-C-T. GRCh37 (hg19) VCF-style: chr12-111652021-C-T.
Other names: c.-106C>T (NM_001370598.1).
Identifiers: ClinVar variation 713817 (VCV000713817.37), dbSNP rs190091435, ClinGen allele CA6788230.